The following is an entry in ClinVar:

ClinVar aggregate classification (germline): Benign. Review status: criteria provided, single submitter (1 of 4 stars). 2 submissions from 2 submitters: Benign (1). 1 of the submissions does not count toward it. Last evaluated 2019-05-28.

Conditions:
Usher syndrome type 2A. Also called: RETINAL DISEASE IN USHER SYNDROME TYPE IIA, MODIFIER OF; USHER SYNDROME, TYPE IIA. Identifiers: Orphanet 231178, Orphanet 886, MedGen C1848634, MONDO:0010169, OMIM 276901.

Allele frequency attached by ClinVar (database versions not stated): ExAC 0.38047.

Submissions (2):

Mendelics
Classification: Benign for Usher syndrome type 2A. Last evaluated: 2019-05-28. Review status: criteria provided, single submitter. Criteria: Mendelics Assertion Criteria 2017. Collection method: clinical testing. Allele origin: unknown.

Department of Ophthalmology and Visual Sciences Kyoto University
Classification: Likely benign. Review status: no assertion criteria provided. Collection method: not provided. Allele origin: unknown. Not counted in ClinVar's aggregate classification.
ClinVar note: Converted during submission from probable-non-pathogenic to Likely benign.

NM_206933.4(USH2A):c.10246T>G (p.Cys3416Gly)

Gene: USH2A (usherin; minus strand). Cytogenetic location: 1q41.
Variant type: single nucleotide variant.
Coding change: c.10246T>G on transcript NM_206933.4 (MANE Select); coding-DNA position 10246, T replaced by G.
Protein change: p.Cys3416Gly; replaces cysteine 3416 with glycine.
Molecular consequence: missense variant.
Genome position (GRCh38, 1-based): chr1:215,786,811, A>C on the plus strand (T>G on the coding strand, the complement: USH2A is on the minus strand). VCF-style: chr1-215786811-A-C. GRCh37 (hg19) VCF-style: chr1-215960153-A-C.
Other names: short protein forms C3416G.
Identifiers: ClinVar variation 143168 (VCV000143168.3), dbSNP rs527236140, ClinGen allele CA232862.